The following is an entry in ClinVar:

NM_020975.6(RET):c.20G>A (p.Gly7Asp)

Genes: RET (ret proto-oncogene; plus strand), LOC106736614 (RET 5' regulatory region; plus strand). Cytogenetic location: 10q11.21.
Variant type: single nucleotide variant.
Coding change: c.20G>A on transcript NM_020975.6 (MANE Select); coding-DNA position 20, G replaced by A.
Protein change: p.Gly7Asp; replaces glycine 7 with aspartic acid.
Molecular consequence: missense variant.
Genome position (GRCh38, 1-based): chr10:43,077,278, G>A. VCF-style: chr10-43077278-G-A. GRCh37 (hg19) VCF-style: chr10-43572726-G-A.
Other names: c.20G>A, p.Gly7Asp (NM_000323.2, NM_001406743.1, NM_001406744.1 and 38 more transcripts); short protein forms G7D.
Identifiers: ClinVar variation 486313 (VCV000486313.27), dbSNP rs1366681125, ClinGen allele CA376768033.

ClinVar aggregate classification (germline): Conflicting classifications of pathogenicity. Review status: criteria provided, conflicting classifications (1 of 4 stars). 11 submissions from 11 submitters: Uncertain significance (9); Likely benign (1). 1 of the submissions does not count toward it. Last evaluated 2026-01-27.

Conditions:
Familial medullary thyroid carcinoma (MTC). Also called: Familial Medullary Thyroid Carcinoma (FMTC); Thyroid cancer, familial medullary; MTC, familial. Identifiers: Orphanet 653, Orphanet 99361, MedGen C1833921, MONDO:0007958, OMIM 155240.
Pheochromocytoma. Also called: MAX-Related Hereditary Paraganglioma-Pheochromocytoma Syndrome. Identifiers: Orphanet 29072, MedGen C0031511, MONDO:0008233, OMIM 171300, HP:0002666.
Multiple endocrine neoplasia type 2A. Also called: Multiple Endocrine Neoplasia Type 2A (MEN2A); MULTIPLE ENDOCRINE NEOPLASIA, TYPE IIA; PTC SYNDROME; SIPPLE SYNDROME; MEN 2A; MEN-2A syndrome. Identifiers: Orphanet 247698, Orphanet 653, MedGen C0025268, MeSH D018813, MONDO:0008234, OMIM 171400.
Hirschsprung disease, susceptibility to, 1 (HSCR1). Also called: RET-Related Hirschsprung Disease. Identifiers: Orphanet 388, MedGen C3888239, MONDO:0007723, OMIM 142623.
Multiple endocrine neoplasia type 2B. Also called: WAGENMANN-FROBOESE SYNDROME; MULTIPLE ENDOCRINE NEOPLASIA, TYPE III; MUCOSAL NEUROMA SYNDROME; Multiple Endocrine Neoplasia Type 2B (MEN2B); Multiple endocrine neoplasia, type 3; MULTIPLE ENDOCRINE NEOPLASIA, TYPE IIB. Identifiers: Orphanet 247709, Orphanet 653, MedGen C0025269, MeSH D018814, MONDO:0008082, OMIM 162300.
RET-related disorder. Also called: RET-related disorders; RET-related condition; RET-related disease.
Malignant tumor of breast. Also called: Malignant breast neoplasm; Cancer breast. Identifiers: MedGen C0006142, MONDO:0007254. Disease mechanism: loss of function.
Hereditary cancer-predisposing syndrome. Also called: Hereditary Cancer Syndrome; Hereditary neoplastic syndrome; Tumor predisposition; Neoplastic Syndromes, Hereditary. Identifiers: Orphanet 140162, MedGen C0027672, MeSH D009386, MONDO:0015356.
Multiple endocrine neoplasia, type 2 (MEN2). Identifiers: Orphanet 653, MedGen C4048306, MONDO:0019003. Disease mechanism: gain of function.

Allele frequency attached by ClinVar (database versions not stated): TOPMed 0.00003.
gnomAD v4.1: 48 of 1,507,194 alleles (0.0032%); highest among the groups gnomAD compares: Middle Eastern, 0.038%; no homozygotes.

Submissions (11):

Labcorp Genetics (formerly Invitae), Labcorp
Classification: Uncertain significance for Multiple endocrine neoplasia, type 2. Last evaluated: 2026-01-27. Review status: criteria provided, single submitter. Criteria: Invitae Variant Classification Sherloc (09022015). Collection method: clinical testing. Allele origin: germline.
Comment: This sequence change replaces glycine, which is neutral and non-polar, with aspartic acid, which is acidic and polar, at codon 7 of the RET protein (p.Gly7Asp). The frequency data for this variant in the population databases is considered unreliable, as metrics indicate poor data quality at this position in the gnomAD database. This variant has not been reported in the literature in individuals affected with RET-related conditions. ClinVar contains an entry for this variant (Variation ID: 486313). An algorithm developed to predict the effect of missense changes on protein structure and function (PolyPhen-2) suggests that this variant is likely to be disruptive. In summary, the available evidence is currently insufficient to determine the role of this variant in disease. Therefore, it has been classified as a Variant of Uncertain Significance.

Quest Diagnostics Nichols Institute San Juan Capistrano
Classification: Uncertain significance. Last evaluated: 2025-11-07. Review status: criteria provided, single submitter. Criteria: Quest Diagnostics criteria. Collection method: clinical testing. Allele origin: unknown.

PreventionGenetics, part of Exact Sciences
Classification: Uncertain significance for RET-related condition. Last evaluated: 2025-06-29. Review status: criteria provided, single submitter. Criteria: ACMG Guidelines, 2015. Collection method: clinical testing. Allele origin: germline.
Comment: The RET c.20G>A variant is predicted to result in the amino acid substitution p.Gly7Asp. To our knowledge, this variant has not been reported in the literature. This variant is reported in 0.0054% of alleles in individuals of European (Non-Finnish) descent in gnomAD and is interpreted as uncertain in ClinVar. At this time, the clinical significance of this variant is uncertain due to the absence of conclusive functional and genetic evidence.

Ambry Genetics
Classification: Likely benign for Hereditary cancer-predisposing syndrome. Last evaluated: 2025-06-26. Review status: criteria provided, single submitter. Criteria: Ambry Variant Classification Scheme 2023. Collection method: clinical testing. Allele origin: germline.

Color Diagnostics, LLC DBA Color Health
Classification: Uncertain significance for Multiple endocrine neoplasia, type 2. Last evaluated: 2025-06-17. Review status: criteria provided, single submitter. Criteria: ACMG Guidelines, 2015. Collection method: clinical testing. Allele origin: germline.
Comment: This missense variant replaces glycine with aspartic acid at codon 7 of the RET protein. Computational prediction suggests that this variant may not impact protein structure and function. To our knowledge, functional studies have not been reported for this variant. This variant has not been reported in individuals affected with RET-related disorders in the literature. This variant has been identified in 2/107412 chromosomes in the general population by the Genome Aggregation Database (gnomAD). The available evidence is insufficient to determine the role of this variant in disease conclusively. Therefore, this variant is classified as a Variant of Uncertain Significance.

Blueprint Genetics
Classification: Uncertain significance. Last evaluated: 2024-07-19. Review status: criteria provided, single submitter. Criteria: ACMG Guidelines, 2015. Collection method: clinical testing. Allele origin: germline.

Fulgent Genetics
Classification: Uncertain significance for Hirschsprung disease, susceptibility to, 1; Familial medullary thyroid carcinoma; Multiple endocrine neoplasia type 2B; Pheochromocytoma; Multiple endocrine neoplasia type 2A. Last evaluated: 2024-02-06. Review status: criteria provided, single submitter. Criteria: ACMG Guidelines, 2015. Collection method: clinical testing. Allele origin: germline.

All of Us Research Program, National Institutes of Health
Classification: Uncertain significance for Multiple endocrine neoplasia, type 2. Last evaluated: 2023-10-27. Review status: criteria provided, single submitter. Criteria: ACMG Guidelines, 2015. Collection method: clinical testing. Allele origin: germline. Inheritance: Autosomal dominant inheritance. Observed: 4 variant alleles, 4 heterozygotes.
Comment: This missense variant replaces glycine with aspartic acid at codon 7 of the RET protein. Computational prediction suggests that this variant may not impact protein structure and function (internally defined REVEL score threshold <= 0.5, PMID: 27666373). To our knowledge, functional studies have not been reported for this variant. This variant has not been reported in individuals affected with hereditary cancer in the literature. This variant has not been identified in the general population by the Genome Aggregation Database (gnomAD). The available evidence is insufficient to determine the role of this variant in disease conclusively. Therefore, this variant is classified as a Variant of Uncertain Significance.

This study involves interpretation of variants in research participants for the purpose of population health screening. Participant phenotype was not available at the time of variant classification. Additional details can be found in publication PMID: 35346344, PMCID: PMC8962531

GeneDx
Classification: Uncertain significance. Last evaluated: 2023-09-15. Review status: criteria provided, single submitter. Criteria: GeneDx Variant Classification Process June 2021. Collection method: clinical testing. Allele origin: germline. Affected: yes.
Comment: Not observed at significant frequency in large population cohorts (gnomAD); In silico analysis supports that this missense variant does not alter protein structure/function; Has not been previously published as pathogenic or benign to our knowledge; This variant is associated with the following publications: (PMID: 29484121)

Baylor Genetics
Classification: Uncertain significance for Hirschsprung disease, susceptibility to, 1. Last evaluated: 2023-08-05. Review status: criteria provided, single submitter. Criteria: ACMG Guidelines, 2015. Collection method: clinical testing. Allele origin: unknown.

Center of Medical Genetics and Primary Health Care
Classification: Uncertain significance for Breast Cancer. Review status: no assertion criteria provided. Collection method: clinical testing. Allele origin: germline. Affected: yes. Not counted in ClinVar's aggregate classification.